The following is an entry in ClinVar:

NM_002439.5(MSH3):c.1044C>G (p.Ile348Met)

Gene: MSH3 (mutS homolog 3; plus strand). Cytogenetic location: 5q14.1.
Variant type: single nucleotide variant.
Coding change: c.1044C>G on transcript NM_002439.5 (MANE Select); coding-DNA position 1044, C replaced by G.
Protein change: p.Ile348Met; replaces isoleucine 348 with methionine.
Molecular consequence: missense variant.
Genome position (GRCh38, 1-based): chr5:80,674,999, C>G. VCF-style: chr5-80674999-C-G. GRCh37 (hg19) VCF-style: chr5-79970818-C-G.
Other names: short protein forms I348M.
Identifiers: ClinVar variation 1774931 (VCV001774931.5), dbSNP rs766534747, ClinGen allele CA3327786.

ClinVar aggregate classification (germline): Uncertain significance. Review status: criteria provided, multiple submitters, no conflicts (2 of 4 stars). 2 submissions from 2 submitters: Uncertain significance (2). Last evaluated 2023-10-10.

Conditions:
Hereditary cancer-predisposing syndrome. Also called: Hereditary Cancer Syndrome; Hereditary neoplastic syndrome; Neoplastic Syndromes, Hereditary; Tumor predisposition. Identifiers: Orphanet 140162, MedGen C0027672, MeSH D009386, MONDO:0015356.

Allele frequency attached by ClinVar (database versions not stated): ExAC 0.00001.

Submissions (2):

Ambry Genetics
Classification: Uncertain significance for Hereditary cancer-predisposing syndrome. Last evaluated: 2023-10-10. Review status: criteria provided, single submitter. Criteria: Ambry Variant Classification Scheme 2023. Collection method: clinical testing. Allele origin: germline.
Comment: The p.I348M variant (also known as c.1044C>G), located in coding exon 7 of the MSH3 gene, results from a C to G substitution at nucleotide position 1044. The isoleucine at codon 348 is replaced by methionine, an amino acid with highly similar properties. This amino acid position is not well conserved in available vertebrate species. In addition, this alteration is predicted to be tolerated by in silico analysis.

Labcorp Genetics (formerly Invitae), Labcorp
Classification: Uncertain significance. Last evaluated: 2023-04-22. Review status: criteria provided, single submitter. Criteria: Invitae Variant Classification Sherloc (09022015). Collection method: clinical testing. Allele origin: germline.
Comment: In summary, the available evidence is currently insufficient to determine the role of this variant in disease. Therefore, it has been classified as a Variant of Uncertain Significance. An algorithm developed to predict the effect of missense changes on protein structure and function (PolyPhen-2) suggests that this variant is likely to be tolerated. ClinVar contains an entry for this variant (Variation ID: 1774931). This variant has not been reported in the literature in individuals affected with MSH3-related conditions. This variant is present in population databases (rs766534747, gnomAD 0.0009%). This sequence change replaces isoleucine, which is neutral and non-polar, with methionine, which is neutral and non-polar, at codon 348 of the MSH3 protein (p.Ile348Met).